The following is an entry in ClinVar:

NM_003849.4(SUCLG1):c.113T>C (p.Ile38Thr)

Gene: SUCLG1 (succinate-CoA ligase GDP/ADP-forming subunit alpha; minus strand). Cytogenetic location: 2p11.2.
Variant type: single nucleotide variant.
Coding change: c.113T>C on transcript NM_003849.4 (MANE Select); coding-DNA position 113, T replaced by C.
Protein change: p.Ile38Thr; replaces isoleucine 38 with threonine.
Molecular consequence: missense variant.
Genome position (GRCh38, 1-based): chr2:84,449,737, A>G on the plus strand (T>C on the coding strand, the complement: SUCLG1 is on the minus strand). VCF-style: chr2-84449737-A-G. GRCh37 (hg19) VCF-style: chr2-84676861-A-G.
Other names: short protein forms I38T.
Identifiers: ClinVar variation 1469600 (VCV001469600.8), dbSNP rs1672909095, ClinGen allele CA347517296.

ClinVar aggregate classification (germline): Conflicting classifications of pathogenicity. Review status: criteria provided, conflicting classifications (1 of 4 stars). 4 submissions from 4 submitters: Uncertain significance (3); Likely benign (1). Last evaluated 2024-12-09.

Conditions:
Mitochondrial DNA depletion syndrome 9 (MTDPS9). Also called: SUCLG1-Related Mitochondrial DNA Depletion Syndrome, Encephalomyopathic Form with Methylmalonic Aciduria. Identifiers: Orphanet 17, MedGen C3151476, MONDO:0009504, OMIM 245400.

Allele frequency attached by ClinVar (database versions not stated): TOPMed 0.00001; gnomAD 0.00002.
gnomAD v4.1: 8 of 1,548,256 alleles (0.00052%); highest among the groups gnomAD compares: Admixed American, 0.0052%; no homozygotes.

Submissions (4):

GeneDx
Classification: Uncertain significance. Last evaluated: 2024-12-09. Review status: criteria provided, single submitter. Criteria: GeneDx Variant Classification Process June 2021. Collection method: clinical testing. Allele origin: germline. Affected: yes.
Comment: Not observed at significant frequency in large population cohorts (gnomAD); In silico analysis indicates that this missense variant does not alter protein structure/function; Has not been previously published as pathogenic or benign to our knowledge

Blueprint Genetics
Classification: Likely benign. Last evaluated: 2024-10-11. Review status: criteria provided, single submitter. Criteria: ACMG Guidelines, 2015. Collection method: clinical testing. Allele origin: germline.

Victorian Clinical Genetics Services, Murdoch Childrens Research Institute
Classification: Uncertain significance for Mitochondrial DNA depletion syndrome 9. Last evaluated: 2022-02-02. Review status: criteria provided, single submitter. Criteria: ACMG Guidelines, 2015. Collection method: clinical testing. Allele origin: germline. Inheritance: Autosomal recessive inheritance. Affected: yes.
Comment: Based on the classification scheme VCGS_Germline_v1.3.4, this variant is classified as VUS-3B. Following criteria are met: 0102 - Loss of function is a known mechanism of disease in this gene and is associated with mitochondrial DNA depletion syndrome 9 (encephalomyopathic type with methylmalonic aciduria) (MIM#245400). (I) 0106 - This gene is associated with autosomal recessive disease. (I) 0200 - Variant is predicted to result in a missense amino acid change from isoleucine to threonine. (I) 0251 - This variant is heterozygous. (I) 0304 - Variant is present in gnomAD <0.01 for a recessive condition (v3: 3 heterozygotes, 0 homozygotes). (SP) 0502 - Missense variant with conflicting in silico predictions and uninformative conservation. (I) 0600 - Variant is located in the annotated succinyl-CoA synthetase alpha subunit domain (NCBI). (I) 0705 - No comparable missense variants have previous evidence for pathogenicity. (I) 0807 - This variant has no previous evidence of pathogenicity. (I) 0905 - No published segregation evidence has been identified for this variant. (I) 1007 - No published functional evidence has been identified for this variant. (I) 1208 - Inheritance information for this variant is not currently available in this individual. (I) Legend: (SP) - Supporting pathogenic, (I) - Information, (SB) - Supporting benign

Labcorp Genetics (formerly Invitae), Labcorp
Classification: Uncertain significance for Mitochondrial DNA depletion syndrome 9. Last evaluated: 2021-08-27. Review status: criteria provided, single submitter. Criteria: Invitae Variant Classification Sherloc (09022015). Collection method: clinical testing. Allele origin: germline.
Comment: This sequence change replaces isoleucine with threonine at codon 38 of the SUCLG1 protein (p.Ile38Thr). The isoleucine residue is weakly conserved and there is a moderate physicochemical difference between isoleucine and threonine. This variant is not present in population databases (ExAC no frequency). This variant has not been reported in the literature in individuals affected with SUCLG1-related conditions. Algorithms developed to predict the effect of missense changes on protein structure and function (SIFT, PolyPhen-2, Align-GVGD) all suggest that this variant is likely to be tolerated. In summary, the available evidence is currently insufficient to determine the role of this variant in disease. Therefore, it has been classified as a Variant of Uncertain Significance.